The following is an entry in ClinVar:

ClinVar aggregate classification (germline): Uncertain significance (1 of 4 stars; one submission).

Conditions:
PEX16-related disorder. Also called: PEX16-related condition.

gnomAD v4.1: 70 of 1,612,354 alleles (0.0043%); highest among the groups gnomAD compares: Middle Eastern, 0.06%; no homozygotes.

Submission:

PreventionGenetics, part of Exact Sciences
Classification: Uncertain significance for PEX16-related condition. Last evaluated: 2025-12-30. Review status: criteria provided, single submitter. Criteria: ACMG Guidelines, 2015. Collection method: clinical testing. Allele origin: germline.
Comment: The PEX16 c.953-5G>A variant is predicted to interfere with splicing. To our knowledge, this variant has not been reported in the literature. This variant is reported in 0.016% of alleles in individuals of South Asian descent in gnomAD. At this time, the clinical significance of this variant is uncertain due to the absence of conclusive functional and genetic evidence.

NM_004813.4(PEX16):c.*72G>A

Gene: PEX16 (peroxisomal biogenesis factor 16; minus strand). Cytogenetic location: 11p11.2.
Variant type: single nucleotide variant.
Coding change: c.*72G>A on transcript NM_004813.4 (MANE Select); 72 bases downstream of the stop codon, G replaced by A.
Molecular consequence: 3 prime UTR variant. On other transcripts: intron variant (1).
Genome position (GRCh38, 1-based): chr11:45,910,182, C>T on the plus strand (G>A on the coding strand, the complement: PEX16 is on the minus strand). VCF-style: chr11-45910182-C-T. GRCh37 (hg19) VCF-style: chr11-45931733-C-T.
Other names: c.953-5G>A (NM_057174.3).
Identifiers: ClinVar variation 4980701 (VCV004980701.1).